The following is an entry in ClinVar:

ClinVar aggregate classification (germline): Uncertain significance. Review status: criteria provided, multiple submitters, no conflicts (2 of 4 stars). 2 submissions from 2 submitters: Uncertain significance (2). Last evaluated 2025-08-01.

Allele frequency attached by ClinVar (database versions not stated): ExAC 0.00002.
gnomAD v4.1: 16 of 1,614,178 alleles (0.00099%); highest among the groups gnomAD compares: Non-Finnish European, 0.0013%; no homozygotes.

Submissions (2):

CeGaT Center for Human Genetics Tuebingen
Classification: Uncertain significance. Last evaluated: 2025-08-01. Review status: criteria provided, single submitter. Criteria: CeGaT Center For Human Genetics Tuebingen Variant Classification Criteria Version 2. Collection method: clinical testing. Allele origin: germline. Affected: yes. Observed: 1 variant allele.
Comment: POLR3B: PM2, PM3:Supporting, PP3

Labcorp Genetics (formerly Invitae), Labcorp
Classification: Uncertain significance. Last evaluated: 2023-10-03. Review status: criteria provided, single submitter. Criteria: Invitae Variant Classification Sherloc (09022015). Collection method: clinical testing. Allele origin: germline.
Comment: This sequence change replaces glycine, which is neutral and non-polar, with valine, which is neutral and non-polar, at codon 244 of the POLR3B protein (p.Gly244Val). This variant is present in population databases (rs199782156, gnomAD 0.003%). This variant has not been reported in the literature in individuals affected with POLR3B-related conditions. Advanced modeling of protein sequence and biophysical properties (such as structural, functional, and spatial information, amino acid conservation, physicochemical variation, residue mobility, and thermodynamic stability) performed at Invitae indicates that this missense variant is not expected to disrupt POLR3B protein function. In summary, the available evidence is currently insufficient to determine the role of this variant in disease. Therefore, it has been classified as a Variant of Uncertain Significance.

NM_018082.6(POLR3B):c.731G>T (p.Gly244Val)

Gene: POLR3B (RNA polymerase III subunit B; plus strand). Cytogenetic location: 12q23.3.
Variant type: single nucleotide variant.
Coding change: c.731G>T on transcript NM_018082.6 (MANE Select); coding-DNA position 731, G replaced by T.
Protein change: p.Gly244Val; replaces glycine 244 with valine.
Molecular consequence: missense variant.
Genome position (GRCh38, 1-based): chr12:106,393,038, G>T. VCF-style: chr12-106393038-G-T. GRCh37 (hg19) VCF-style: chr12-106786816-G-T.
Other names: c.557G>T, p.Gly186Val (NM_001160708.2); short protein forms G186V, G244V.
Identifiers: ClinVar variation 2907744 (VCV002907744.11), dbSNP rs199782156, ClinGen allele CA6761778.